The following is an entry in ClinVar:

ClinVar aggregate classification (germline): Uncertain significance (1 of 4 stars; one submission).

Allele frequency attached by ClinVar (database versions not stated): ExAC 0.00004; gnomAD exomes 0.00004; ESP Exome Variant Server 0.00008; TOPMed 0.00009; gnomAD 0.00011.

Submission:

Labcorp Genetics (formerly Invitae), Labcorp
Classification: Uncertain significance. Last evaluated: 2022-08-20. Review status: criteria provided, single submitter. Criteria: Invitae Variant Classification Sherloc (09022015). Collection method: clinical testing. Allele origin: germline.
Comment: This sequence change replaces alanine, which is neutral and non-polar, with threonine, which is neutral and polar, at codon 225 of the TANGO2 protein (p.Ala225Thr). This variant is present in population databases (rs113922648, gnomAD 0.04%). This variant has not been reported in the literature in individuals affected with TANGO2-related conditions. ClinVar contains an entry for this variant (Variation ID: 1360190). Algorithms developed to predict the effect of missense changes on protein structure and function are either unavailable or do not agree on the potential impact of this missense change (SIFT: "Not Available"; PolyPhen-2: "Possibly Damaging"; Align-GVGD: "Not Available"). In summary, the available evidence is currently insufficient to determine the role of this variant in disease. Therefore, it has been classified as a Variant of Uncertain Significance.

NM_152906.7(TANGO2):c.673G>A (p.Ala225Thr)

Gene: TANGO2 (transport and golgi organization 2 homolog; plus strand). Cytogenetic location: 22q11.21.
Variant type: single nucleotide variant.
Coding change: c.673G>A on transcript NM_152906.7 (MANE Select); coding-DNA position 673, G replaced by A.
Protein change: p.Ala225Thr; replaces alanine 225 with threonine.
Molecular consequence: missense variant. On other transcripts: 3 prime UTR variant (1), non-coding transcript variant (5), intron variant (1).
Genome position (GRCh38, 1-based): chr22:20,063,405, G>A. VCF-style: chr22-20063405-G-A. GRCh37 (hg19) VCF-style: chr22-20050928-G-A.
Other names: c.673G>A, p.Ala225Thr (NM_001283106.3, NM_001283116.3, NM_001322142.2); c.796G>A, p.Ala266Thr (NM_001283129.3, NM_001322141.2, NM_001322143.2); c.671G>A, p.Arg224His (NM_001283148.3, NM_001283154.3); c.487G>A, p.Ala163Thr (NM_001283179.3, NM_001283186.3, NM_001322163.2 and 2 more transcripts); c.448G>A, p.Ala150Thr (NM_001283199.3); c.379G>A, p.Ala127Thr (NM_001283235.3, NM_001322150.2, NM_001322153.2 and 6 more transcripts); c.*9G>A (NM_001283248.3); c.794G>A, p.Arg265His (NM_001322144.2); and 5 more; short protein forms A150T, A204T, R224H, A191T, A266T, R162H, A127T, A163T.
Identifiers: ClinVar variation 1360190 (VCV001360190.3), dbSNP rs113922648, ClinGen allele CA10106522.